The following is an entry in ClinVar:

ClinVar aggregate classification (germline): Likely benign. Review status: criteria provided, multiple submitters, no conflicts (2 of 4 stars). 2 submissions from 2 submitters: Likely benign (2). Last evaluated 2017-12-21.

Allele frequency attached by ClinVar (database versions not stated): 1000 Genomes Project 0.00100; ESP Exome Variant Server 0.00146; ExAC 0.00309; gnomAD exomes 0.00331 and 0.00639; TOPMed 0.00349; gnomAD 0.00363 and 0.00384.
gnomAD v4.1: 9,012 of 1,495,632 alleles (0.6%); highest among the groups gnomAD compares: Non-Finnish European, 0.76%; 38 homozygotes.

Submissions (2):

GeneDx
Classification: Likely benign. Last evaluated: 2017-12-21. Review status: criteria provided, single submitter. Criteria: GeneDx Variant Classification (06012015). Collection method: clinical testing. Allele origin: germline. Affected: yes.
Comment: This variant is considered likely benign or benign based on one or more of the following criteria: it is a conservative change, it occurs at a poorly conserved position in the protein, it is predicted to be benign by multiple in silico algorithms, and/or has population frequency not consistent with disease.

Breakthrough Genomics
Classification: Likely benign. Review status: criteria provided, single submitter. Criteria: ACMG Guidelines, 2015. Collection method: not provided. Allele origin: germline. Inheritance: Autosomal recessive inheritance. Affected: yes.

NM_007347.5(AP4E1):c.-40G>A

Gene: AP4E1 (adaptor related protein complex 4 subunit epsilon 1; plus strand). Cytogenetic location: 15q21.2.
Variant type: single nucleotide variant.
Coding change: c.-40G>A on transcript NM_007347.5 (MANE Select); 40 bases upstream of the start codon, G replaced by A.
Molecular consequence: 5 prime UTR variant.
Genome position (GRCh38, 1-based): chr15:50,908,739, G>A. VCF-style: chr15-50908739-G-A. GRCh37 (hg19) VCF-style: chr15-51200936-G-A.
Other names: c.-288G>A (NM_001252127.2).
Identifiers: ClinVar variation 509373 (VCV000509373.2), dbSNP rs374083032, ClinGen allele CA7558603.